The following is an entry in ClinVar:

NM_000059.4(BRCA2):c.7429C>G (p.Pro2477Ala)

Gene: BRCA2 (BRCA2 DNA repair associated; plus strand). Cytogenetic location: 13q13.1.
Variant type: single nucleotide variant.
Coding change: c.7429C>G on transcript NM_000059.4 (MANE Select); coding-DNA position 7429, C replaced by G.
Protein change: p.Pro2477Ala; replaces proline 2477 with alanine.
Molecular consequence: missense variant.
Genome position (GRCh38, 1-based): chr13:32,355,282, C>G. VCF-style: chr13-32355282-C-G. GRCh37 (hg19) VCF-style: chr13-32929419-C-G.
Other names: c.7429C>G, p.Pro2477Ala (NM_001406720.1); c.2497C>G, p.Pro833Ala (NM_001406721.1); c.1012C>G, p.Pro338Ala (NM_001406722.1); c.7333C>G, p.Pro2445Ala (NM_001406719.1); short protein forms P2445A, P2477A, P338A, P833A.
Identifiers: ClinVar variation 1705244 (VCV001705244.3), dbSNP rs80358964, ClinGen allele CA387742076.

ClinVar aggregate classification (germline): Uncertain significance. Review status: criteria provided, multiple submitters, no conflicts (2 of 4 stars). 2 submissions from 2 submitters: Uncertain significance (2). Last evaluated 2022-10-28.

Conditions:
Hereditary cancer-predisposing syndrome. Also called: Tumor predisposition; Neoplastic Syndromes, Hereditary; Hereditary Cancer Syndrome; Hereditary neoplastic syndrome. Identifiers: Orphanet 140162, MedGen C0027672, MeSH D009386, MONDO:0015356.

Submissions (2):

Ambry Genetics
Classification: Uncertain significance for Hereditary cancer-predisposing syndrome. Last evaluated: 2022-10-28. Review status: criteria provided, single submitter. Criteria: Ambry Variant Classification Scheme 2023. Collection method: clinical testing. Allele origin: germline.
Comment: The p.P2477A variant (also known as c.7429C>G), located in coding exon 13 of the BRCA2 gene, results from a C to G substitution at nucleotide position 7429. The proline at codon 2477 is replaced by alanine, an amino acid with highly similar properties. This amino acid position is not well conserved in available vertebrate species. In addition, this alteration is predicted to be tolerated by in silico analysis. Since supporting evidence is limited at this time, the clinical significance of this alteration remains unclear.

Women's Health and Genetics/Laboratory Corporation of America, LabCorp
Classification: Uncertain significance. Last evaluated: 2022-08-31. Review status: criteria provided, single submitter. Criteria: LabCorp Variant Classification Summary - May 2015. Collection method: clinical testing. Allele origin: germline.
Comment: Variant summary: BRCA2 c.7429C>G (p.Pro2477Ala) results in a non-conservative amino acid change in the encoded protein sequence. Three of four in-silico tools predict a benign effect of the variant on protein function. The variant was absent in 250734 control chromosomes. The available data on variant occurrences in the general population are insufficient to allow any conclusion about variant significance. To our knowledge, no occurrence of c.7429C>G in individuals affected with Hereditary Breast And Ovarian Cancer Syndrome and no experimental evidence demonstrating its impact on protein function have been reported. No clinical diagnostic laboratories have submitted clinical-significance assessments for this variant to ClinVar after 2014. Based on the evidence outlined above, the variant was classified as uncertain significance.